The following is an entry in ClinVar:

NM_000393.5(COL5A2):c.567+17G>T

Gene: COL5A2 (collagen type V alpha 2 chain; minus strand). Cytogenetic location: 2q32.2.
Variant type: single nucleotide variant.
Coding change: c.567+17G>T on transcript NM_000393.5 (MANE Select); 17 bases into the intron after coding-DNA position 567, G replaced by T.
Molecular consequence: intron variant.
Genome position (GRCh38, 1-based): chr2:189,092,293, C>A on the plus strand (G>T on the coding strand, the complement: COL5A2 is on the minus strand). VCF-style: chr2-189092293-C-A. GRCh37 (hg19) VCF-style: chr2-189957019-C-A.
Identifiers: ClinVar variation 377730 (VCV000377730.11), dbSNP rs780672109, ClinGen allele CA2023030.

ClinVar aggregate classification (germline): Benign/Likely benign. Review status: criteria provided, multiple submitters, no conflicts (2 of 4 stars). 5 submissions from 5 submitters: Benign (2); Likely benign (3). Last evaluated 2026-01-12.

Conditions:
Ehlers-Danlos syndrome, classic type, 1 (EDSCL1). Also called: Ehlers-Danlos Syndrome, Classic Type, COL5A1-Related; EDS I; EHLERS-DANLOS SYNDROME, GRAVIS TYPE; EHLERS-DANLOS SYNDROME, SEVERE CLASSIC TYPE; Ehlers-Danlos syndrome, type 1. Identifiers: MedGen C0268335, MONDO:0019567, OMIM 130000.
Connective tissue disorder. Also called: Connective tissue disease. Identifiers: MedGen C0009782, MONDO:0003900.

Allele frequency attached by ClinVar (database versions not stated): TOPMed 0.00003; gnomAD 0.00005 and 0.00006; gnomAD exomes 0.00006; ExAC 0.00013.
gnomAD v4.1: 63 of 1,489,254 alleles (0.0042%); highest among the groups gnomAD compares: Non-Finnish European, 0.0019%; no homozygotes.

Submissions (5):

Labcorp Genetics (formerly Invitae), Labcorp
Classification: Benign for Ehlers-Danlos syndrome, classic type, 1. Last evaluated: 2026-01-12. Review status: criteria provided, single submitter. Criteria: Invitae Variant Classification Sherloc (09022015). Collection method: clinical testing. Allele origin: germline.

Women's Health and Genetics/Laboratory Corporation of America, LabCorp
Classification: Benign. Last evaluated: 2025-05-13. Review status: criteria provided, single submitter. Criteria: LabCorp Variant Classification Summary - May 2015. Collection method: clinical testing. Allele origin: germline.
Comment: Variant summary: COL5A2 c.567+17G>T alters a non-conserved nucleotide located at a position not widely known to affect splicing. Consensus agreement among computation tools predict no significant impact on normal splicing. However, these predictions have yet to be confirmed by functional studies. The variant allele was found at a frequency of 5.9e-05 in 218532 control chromosomes. The observed variant frequency is approximately 1.9 fold of the estimated maximal expected allele frequency for a pathogenic variant in COL5A2 causing Ehlers-Danlos syndrome, classic type, 2 phenotype (3.1e-05). To our knowledge, no occurrence of c.567+17G>T in individuals affected with Ehlers-Danlos syndrome, classic type, 2 and no experimental evidence demonstrating its impact on protein function have been reported. ClinVar contains an entry for this variant (Variation ID: 377730). Based on the evidence outlined above, the variant was classified as benign.

Blueprint Genetics
Classification: Likely benign. Last evaluated: 2024-04-09. Review status: criteria provided, single submitter. Criteria: ACMG Guidelines, 2015. Collection method: clinical testing. Allele origin: germline.

GeneDx
Classification: Likely benign. Last evaluated: 2016-12-21. Review status: criteria provided, single submitter. Criteria: GeneDx Variant Classification (06012015). Collection method: clinical testing. Allele origin: germline. Affected: yes.
Comment: This variant is considered likely benign or benign based on one or more of the following criteria: it is a conservative change, it occurs at a poorly conserved position in the protein, it is predicted to be benign by multiple in silico algorithms, and/or has population frequency not consistent with disease.

Center for Human Genetics, Inc
Classification: Likely benign for Connective tissue disorder. Last evaluated: 2016-11-01. Review status: criteria provided, single submitter. Criteria: ACMG Guidelines, 2015. Collection method: clinical testing. Allele origin: germline. Affected: yes.